The following is an entry in ClinVar:

ClinVar aggregate classification (germline): Uncertain significance (1 of 4 stars; one submission).

Conditions:
Tietz syndrome (TADS). Also called: ALBINISM-DEAFNESS OF TIETZ; HYPOPIGMENTATION/DEAFNESS OF TIETZ; TIETZ ALBINISM-DEAFNESS SYNDROME. Identifiers: Orphanet 42665, MedGen C0391816, MONDO:0007077, OMIM 103500.
Waardenburg syndrome type 2A (WS2A). Also called: WAARDENBURG SYNDROME WITHOUT DYSTOPIA CANTHORUM. Identifiers: Orphanet 3440, MedGen C1860339, MONDO:0008671, OMIM 193510.
Melanoma, cutaneous malignant, susceptibility to, 8. Also called: MELANOMA AND RENAL CELL CARCINOMA, SUSCEPTIBILITY TO; Cutaneous malignant melanoma 8. Identifiers: Orphanet 293822, MedGen C3152204, MONDO:0013759, OMIM 614456.

Submission:

Labcorp Genetics (formerly Invitae), Labcorp
Classification: Uncertain significance for Melanoma, cutaneous malignant, susceptibility to, 8; Waardenburg syndrome type 2A; Tietz syndrome. Last evaluated: 2025-08-25. Review status: criteria provided, single submitter. Criteria: Invitae Variant Classification Sherloc (09022015). Collection method: clinical testing. Allele origin: germline.
Comment: This sequence change replaces methionine, which is neutral and non-polar, with isoleucine, which is neutral and non-polar, at codon 77 of the MITF protein (p.Met77Ile). This variant is not present in population databases (gnomAD no frequency). This variant has not been reported in the literature in individuals affected with MITF-related conditions. Invitae Evidence Modeling of protein sequence and biophysical properties (such as structural, functional, and spatial information, amino acid conservation, physicochemical variation, residue mobility, and thermodynamic stability) indicates that this missense variant is not expected to disrupt MITF protein function with a negative predictive value of 80%. In summary, the available evidence is currently insufficient to determine the role of this variant in disease. Therefore, it has been classified as a Variant of Uncertain Significance.

NM_001354604.2(MITF):c.552G>C (p.Met184Ile)

Gene: MITF (melanocyte inducing transcription factor; plus strand). Cytogenetic location: 3p13.
Variant type: single nucleotide variant.
Coding change: c.552G>C on transcript NM_001354604.2 (MANE Select); coding-DNA position 552, G replaced by C.
Protein change: p.Met184Ile; replaces methionine 184 with isoleucine.
Molecular consequence: missense variant. On other transcripts: intron variant (1).
Genome position (GRCh38, 1-based): chr3:69,938,019, G>C. VCF-style: chr3-69938019-G-C. GRCh37 (hg19) VCF-style: chr3-69987170-G-C.
Other names: c.231G>C, p.Met77Ile (NM_000248.4, NM_001184968.2, NM_198158.3); c.396G>C, p.Met132Ile (NM_001184967.2, NM_001354608.2); c.549G>C, p.Met183Ile (NM_001354605.2, NM_001354606.2, NM_006722.3); c.501G>C, p.Met167Ile (NM_001354607.2); c.552G>C, p.Met184Ile (NM_198159.3); c.504G>C, p.Met168Ile (NM_198177.3); c.93+138G>C (NM_198178.3); short protein forms M183I, M184I, M167I, M77I, M132I, M168I.
Identifiers: ClinVar variation 4782450 (VCV004782450.1).